The following is an entry in ClinVar:

NM_194248.3(OTOF):c.4324G>A (p.Gly1442Ser)

Gene: OTOF (otoferlin; minus strand). Cytogenetic location: 2p23.3.
Variant type: single nucleotide variant.
Coding change: c.4324G>A on transcript NM_194248.3 (MANE Select); coding-DNA position 4324, G replaced by A.
Protein change: p.Gly1442Ser; replaces glycine 1442 with serine.
Molecular consequence: missense variant.
Genome position (GRCh38, 1-based): chr2:26,467,137, C>T on the plus strand (G>A on the coding strand, the complement: OTOF is on the minus strand). VCF-style: chr2-26467137-C-T. GRCh37 (hg19) VCF-style: chr2-26690005-C-T.
Other names: c.4324G>A, p.Gly1442Ser (NM_001287489.2); c.2023G>A, p.Gly675Ser (NM_004802.4, NM_194323.3); c.2254G>A, p.Gly752Ser (NM_194322.3); short protein forms G752S, G1442S, G675S.
Identifiers: ClinVar variation 1510047 (VCV001510047.3), dbSNP rs367581711, ClinGen allele CA1563218.

ClinVar aggregate classification (germline): Uncertain significance (1 of 4 stars; one submission).

Allele frequency attached by ClinVar (database versions not stated): TOPMed 0.00001; ExAC 0.00001; gnomAD exomes below 0.00001; ESP Exome Variant Server 0.00008.

Submission:

Labcorp Genetics (formerly Invitae), Labcorp
Classification: Uncertain significance. Last evaluated: 2021-08-03. Review status: criteria provided, single submitter. Criteria: Invitae Variant Classification Sherloc (09022015). Collection method: clinical testing. Allele origin: germline.
Comment: This sequence change replaces glycine with serine at codon 1442 of the OTOF protein (p.Gly1442Ser). The glycine residue is moderately conserved and there is a small physicochemical difference between glycine and serine. This variant is present in population databases (rs367581711, ExAC 0.01%). This variant has not been reported in the literature in individuals affected with OTOF-related conditions. Algorithms developed to predict the effect of missense changes on protein structure and function output the following: SIFT: "Tolerated"; PolyPhen-2: "Benign"; Align-GVGD: "Class C0". The serine amino acid residue is found in multiple mammalian species, which suggests that this missense change does not adversely affect protein function. In summary, the available evidence is currently insufficient to determine the role of this variant in disease. Therefore, it has been classified as a Variant of Uncertain Significance.